The following is an entry in ClinVar:

NM_003803.4(MYOM1):c.1849C>T (p.Pro617Ser)

Gene: MYOM1 (myomesin 1; minus strand). Cytogenetic location: 18p11.31.
Variant type: single nucleotide variant.
Coding change: c.1849C>T on transcript NM_003803.4 (MANE Select); coding-DNA position 1849, C replaced by T.
Protein change: p.Pro617Ser; replaces proline 617 with serine.
Molecular consequence: missense variant.
Genome position (GRCh38, 1-based): chr18:3,149,196, G>A on the plus strand (C>T on the coding strand, the complement: MYOM1 is on the minus strand). VCF-style: chr18-3149196-G-A. GRCh37 (hg19) VCF-style: chr18-3149194-G-A.
Other names: c.1849C>T, p.Pro617Ser (NM_019856.2); short protein forms P617S.
Identifiers: ClinVar variation 5025283 (VCV005025283.1).

ClinVar aggregate classification (germline): Uncertain significance (1 of 4 stars; one submission).

gnomAD v4.1: 3 of 1,611,622 alleles (0.00019%); highest among the groups gnomAD compares: Non-Finnish European, 0.00025%; no homozygotes.

Submission:

Ambry Genetics
Classification: Uncertain significance. Last evaluated: 2026-08-24. Review status: criteria provided, single submitter. Criteria: Ambry Variant Classification Scheme 2023. Collection method: clinical testing. Allele origin: germline.
Comment: The p.P617S variant (also known as c.1849C>T), located in coding exon 12 of the MYOM1 gene, results from a C to T substitution at nucleotide position 1849. The proline at codon 617 is replaced by serine, an amino acid with similar properties. This amino acid position is conserved. In addition, the in silico prediction for this alteration is inconclusive. Based on the available evidence, the clinical significance of this variant remains unclear.